The following is an entry in ClinVar:

NM_001165963.4(SCN1A):c.3019A>G (p.Asn1007Asp)

Gene: SCN1A (sodium voltage-gated channel alpha subunit 1; minus strand). Cytogenetic location: 2q24.3.
Variant type: single nucleotide variant.
Coding change: c.3019A>G on transcript NM_001165963.4 (MANE Select); coding-DNA position 3019, A replaced by G.
Protein change: p.Asn1007Asp; replaces asparagine 1007 with aspartic acid.
Molecular consequence: missense variant. On other transcripts: non-coding transcript variant (1).
Genome position (GRCh38, 1-based): chr2:166,036,458, T>C on the plus strand (A>G on the coding strand, the complement: SCN1A is on the minus strand). VCF-style: chr2-166036458-T-C. GRCh37 (hg19) VCF-style: chr2-166892968-T-C.
Other names: c.2935A>G, p.Asn979Asp (NM_001165964.3, NM_001353957.2, NM_001353958.2); c.3019A>G, p.Asn1007Asp (NM_001202435.3, NM_001353948.2); c.2986A>G, p.Asn996Asp (NM_001353949.2, NM_001353950.2, NM_001353951.2 and 2 more transcripts); c.2983A>G, p.Asn995Asp (NM_001353954.2, NM_001353955.2); c.2932A>G, p.Asn978Asp (NM_001353960.2); c.577A>G, p.Asn193Asp (NM_001353961.2); short protein forms N1007D, N193D, N978D, N979D, N995D, N996D.
Identifiers: ClinVar variation 1007217 (VCV001007217.9), dbSNP rs1696389624, ClinGen allele CA349060369.

ClinVar aggregate classification (germline): Uncertain significance (1 of 4 stars; one submission).

Conditions:
Early-infantile DEE. Also called: Ohtahara syndrome; Early infantile epileptic encephalopathy with suppression bursts; Early infantile epileptic encephalopathy. Identifiers: Orphanet 1934, MedGen C0393706, MONDO:0800491.

Submission:

Labcorp Genetics (formerly Invitae), Labcorp
Classification: Uncertain significance for Early-infantile DEE. Last evaluated: 2024-05-23. Review status: criteria provided, single submitter. Criteria: Invitae Variant Classification Sherloc (09022015). Collection method: clinical testing. Allele origin: germline.
Comment: This sequence change replaces asparagine, which is neutral and polar, with aspartic acid, which is acidic and polar, at codon 1007 of the SCN1A protein (p.Asn1007Asp). This variant is not present in population databases (gnomAD no frequency). This variant has not been reported in the literature in individuals affected with SCN1A-related conditions. ClinVar contains an entry for this variant (Variation ID: 1007217). Advanced modeling of protein sequence and biophysical properties (such as structural, functional, and spatial information, amino acid conservation, physicochemical variation, residue mobility, and thermodynamic stability) performed at Invitae indicates that this missense variant is not expected to disrupt SCN1A protein function with a negative predictive value of 95%. In summary, the available evidence is currently insufficient to determine the role of this variant in disease. Therefore, it has been classified as a Variant of Uncertain Significance.